The following is an entry in ClinVar:

NM_001127222.2(CACNA1A):c.6265C>G (p.Arg2089Gly)

Gene: CACNA1A (calcium voltage-gated channel subunit alpha1 A; minus strand). Cytogenetic location: 19p13.13.
Variant type: single nucleotide variant.
Coding change: c.6265C>G on transcript NM_001127222.2 (MANE Select); coding-DNA position 6265, C replaced by G.
Protein change: p.Arg2089Gly; replaces arginine 2089 with glycine.
Molecular consequence: missense variant.
Genome position (GRCh38, 1-based): chr19:13,212,141, G>C on the plus strand (C>G on the coding strand, the complement: CACNA1A is on the minus strand). VCF-style: chr19-13212141-G-C. GRCh37 (hg19) VCF-style: chr19-13322955-G-C.
Other names: c.6283C>G, p.Arg2095Gly (NM_000068.4, NM_023035.3); c.6268C>G, p.Arg2090Gly (NM_001127221.2); c.6274C>G, p.Arg2092Gly (NM_001174080.2); short protein forms R2089G, R2090G, R2092G, R2095G.
Identifiers: ClinVar variation 4077195 (VCV004077195.1).

ClinVar aggregate classification (germline): Uncertain significance (1 of 4 stars; one submission).

Submission:

GeneDx
Classification: Uncertain significance. Last evaluated: 2025-02-26. Review status: criteria provided, single submitter. Criteria: GeneDx Variant Classification Process June 2021. Collection method: clinical testing. Allele origin: germline. Affected: yes.
Comment: Not observed at significant frequency in large population cohorts (gnomAD); In silico analysis supports that this missense variant has a deleterious effect on protein structure/function; Has not been previously published as pathogenic or benign to our knowledge